The following is an entry in ClinVar:

NM_000179.3(MSH6):c.3537C>T (p.Ala1179=)

Gene: MSH6 (mutS homolog 6; plus strand). Cytogenetic location: 2p16.3.
Variant type: single nucleotide variant.
Coding change: c.3537C>T on transcript NM_000179.3 (MANE Select); coding-DNA position 3537, C replaced by T.
Protein change: p.Ala1179=; no amino-acid change (alanine 1179 retained).
Molecular consequence: synonymous variant.
Genome position (GRCh38, 1-based): chr2:47,805,008, C>T. VCF-style: chr2-47805008-C-T. GRCh37 (hg19) VCF-style: chr2-48032147-C-T.
Other names: c.3147C>T, p.Ala1049= (NM_001281492.2); c.2631C>T, p.Ala877= (NM_001281493.2, NM_001281494.2).
Identifiers: ClinVar variation 1139821 (VCV001139821.12), dbSNP rs200120044, ClinGen allele CA425997244.
Genomic context (GRCh38, chr2:47,805,008, plus strand): 5'-CGTCCCTGCTGAAGTGTGCAGGCTCACACCAATTGATAGAGTGTTTACTAGACTTGGTGC[C>T]TCAGACAGAATAATGTCAGGTGAGTTTTTTGTTTCCCACTTAAGTTCTCATTCAGTCATT-3'
Protein context (NP_000170.1, residues 1169-1189): PIDRVFTRLG[Ala1179=]SDRIMSGEST

ClinVar aggregate classification (germline): Benign/Likely benign. Review status: criteria provided, multiple submitters, no conflicts (2 of 4 stars). 3 submissions from 3 submitters: Benign (1); Likely benign (2). Last evaluated 2025-09-24.

Conditions:
Hereditary cancer-predisposing syndrome. Also called: Hereditary Cancer Syndrome; Neoplastic Syndromes, Hereditary; Hereditary neoplastic syndrome; Tumor predisposition. Identifiers: Orphanet 140162, MedGen C0027672, MeSH D009386, MONDO:0015356.
Lynch syndrome 5 (LYNCH5). Also called: Colorectal cancer, hereditary nonpolyposis, type 5; Hereditary non-polyposis colorectal cancer, type 5. Identifiers: Orphanet 144, MedGen C1833477, MONDO:0013710, OMIM 614350. Disease mechanism: loss of function.
Hereditary nonpolyposis colorectal neoplasms. Identifiers: MedGen C0009405, MeSH D003123.

Submissions (3):

Labcorp Genetics (formerly Invitae), Labcorp
Classification: Likely benign for Hereditary nonpolyposis colorectal neoplasms. Last evaluated: 2025-09-24. Review status: criteria provided, single submitter. Criteria: Invitae Variant Classification Sherloc (09022015). Collection method: clinical testing. Allele origin: germline.

Myriad Genetics, Inc.
Classification: Benign for Lynch syndrome 5. Last evaluated: 2025-01-07. Review status: criteria provided, single submitter. Criteria: Myriad Autosomal Dominant, Autosomal Recessive and X-Linked Classification Criteria (2023). Collection method: clinical testing. Allele origin: unknown.
Comment: This variant is considered benign. This variant is a silent/synonymous amino acid change and it is not expected to impact splicing.

Ambry Genetics
Classification: Likely benign for Hereditary cancer-predisposing syndrome. Last evaluated: 2020-01-30. Review status: criteria provided, single submitter. Criteria: Ambry Variant Classification Scheme 2023. Collection method: clinical testing. Allele origin: germline.